The following is an entry in ClinVar:

ClinVar aggregate classification (germline): Benign. Review status: criteria provided, multiple submitters, no conflicts (2 of 4 stars). 2 submissions from 2 submitters: Benign (2). Last evaluated 2018-04-10.

Conditions:
Usher syndrome type 2C. Also called: USHER SYNDROME, TYPE IIC; Usher syndrome, type 2B. Identifiers: Orphanet 231178, Orphanet 886, MedGen C2931213, MONDO:0011558, OMIM 605472.

Allele frequency attached by ClinVar (database versions not stated): gnomAD exomes 0.00217; ExAC 0.00523; ESP Exome Variant Server 0.00970; gnomAD 0.01017; 1000 Genomes Project 0.01138; 1000 Genomes Project 30x 0.01140; TOPMed 0.01160.
gnomAD v4.1: 2,898 of 1,555,540 alleles (0.19%); highest among the groups gnomAD compares: African/African-American, 3.5%; 55 homozygotes.

Submissions (2):

GeneDx
Classification: Benign. Last evaluated: 2018-04-10. Review status: criteria provided, single submitter. Criteria: GeneDx Variant Classification (06012015). Collection method: clinical testing. Allele origin: germline. Affected: yes.
Comment: This variant is considered likely benign or benign based on one or more of the following criteria: it is a conservative change, it occurs at a poorly conserved position in the protein, it is predicted to be benign by multiple in silico algorithms, and/or has population frequency not consistent with disease.

Illumina Laboratory Services, Illumina
Classification: Benign for Usher syndrome type 2C. Last evaluated: 2017-04-27. Review status: criteria provided, single submitter. Criteria: ICSL Variant Classification Criteria 13 December 2019. Collection method: clinical testing. Allele origin: germline.
Comment: This variant was observed as part of a predisposition screen in an ostensibly healthy population. A literature search was performed for the gene, cDNA change, and amino acid change (where applicable). No publications were found based on this search. Allele frequency data from public databases was too high to be consistent with this variant causing disease. Therefore, this variant is classified as benign.

NM_032119.4(ADGRV1):c.-47G>C

Gene: ADGRV1 (adhesion G protein-coupled receptor V1; plus strand). Cytogenetic location: 5q14.3.
Variant type: single nucleotide variant.
Coding change: c.-47G>C on transcript NM_032119.4 (MANE Select); 47 bases upstream of the start codon, G replaced by C.
Molecular consequence: 5 prime UTR variant. On other transcripts: non-coding transcript variant (1).
Genome position (GRCh38, 1-based): chr5:90,558,849, G>C. VCF-style: chr5-90558849-G-C. GRCh37 (hg19) VCF-style: chr5-89854666-G-C.
Identifiers: ClinVar variation 679376 (VCV000679376.5), dbSNP rs116110048, ClinGen allele CA3338332.